The following is an entry in ClinVar:

ClinVar aggregate classification (germline): Uncertain significance (1 of 4 stars; one submission).

Submission:

GeneDx
Classification: Uncertain significance. Last evaluated: 2026-03-05. Review status: criteria provided, single submitter. Criteria: GeneDx Variant Classification Process June 2021. Collection method: clinical testing. Allele origin: germline.
Comment: Not observed at significant frequency in large population cohorts (gnomAD); In silico analysis suggests that this missense variant does not alter protein structure/function; Has not been previously published as pathogenic or benign to our knowledge

NM_030624.3(KLHL15):c.478G>A (p.Asp160Asn)

Gene: KLHL15 (kelch like family member 15; minus strand). Cytogenetic location: Xp22.11.
Variant type: single nucleotide variant.
Coding change: c.478G>A on transcript NM_030624.3 (MANE Select); coding-DNA position 478, G replaced by A.
Protein change: p.Asp160Asn; replaces aspartic acid 160 with asparagine.
Molecular consequence: missense variant.
Genome position (GRCh38, 1-based): chrX:24,006,216, C>T on the plus strand (G>A on the coding strand, the complement: KLHL15 is on the minus strand). VCF-style: chrX-24006216-C-T. GRCh37 (hg19) VCF-style: chrX-24024333-C-T.
Other names: short protein forms D160N.
Identifiers: ClinVar variation 5008623 (VCV005008623.1).
Genomic context (GRCh38, chrX:24,006,216, plus strand): 5'-GCTTCTCAAAGCTCAGATAGGACAGAAAGTCAGGCCTAGACATGAGTGGCACAAAGTTGT[C>T]TAGCAGAAAGGTGTCTAACTTCTCCCTGACTCCCTCGATGTTTACGCCGAAATCATCTAA-3'
Protein context (NP_085127.2, residues 150-170): VREKLDTFLL[Asp160Asn]NFVPLMSRPD